The following is an entry in ClinVar:

ClinVar aggregate classification (germline): Uncertain significance. Review status: criteria provided, multiple submitters, no conflicts (2 of 4 stars). 4 submissions from 4 submitters: Uncertain significance (4). Last evaluated 2025-06-26.

Conditions:
Inborn genetic diseases. Identifiers: MedGen C0950123, MeSH D030342.
EEM syndrome (EEMS). Identifiers: Orphanet 1897, MedGen C1857041, MONDO:0009155, OMIM 225280.

Allele frequency attached by ClinVar (database versions not stated): gnomAD 0.00005 and 0.00006; gnomAD exomes 0.00005 and 0.00013; TOPMed 0.00005; ExAC 0.00006; ESP Exome Variant Server 0.00008.
gnomAD v4.1: 195 of 1,613,326 alleles (0.012%); highest among the groups gnomAD compares: Non-Finnish European, 0.016%; no homozygotes.

Submissions (4):

GeneDx
Classification: Uncertain significance. Last evaluated: 2025-06-26. Review status: criteria provided, single submitter. Criteria: GeneDx Variant Classification Process June 2021. Collection method: clinical testing. Allele origin: germline. Affected: yes.
Comment: In silico analysis suggests that this missense variant does not alter protein structure/function; Has not been previously published as pathogenic or benign to our knowledge

Labcorp Genetics (formerly Invitae), Labcorp
Classification: Uncertain significance. Last evaluated: 2022-06-28. Review status: criteria provided, single submitter. Criteria: Invitae Variant Classification Sherloc (09022015). Collection method: clinical testing. Allele origin: germline.
Comment: This sequence change replaces leucine, which is neutral and non-polar, with phenylalanine, which is neutral and non-polar, at codon 12 of the CDH3 protein (p.Leu12Phe). This variant is present in population databases (rs373974671, gnomAD 0.008%). This variant has not been reported in the literature in individuals affected with CDH3-related conditions. ClinVar contains an entry for this variant (Variation ID: 885658). Algorithms developed to predict the effect of missense changes on protein structure and function output the following: SIFT: "Not Available"; PolyPhen-2: "Not Available"; Align-GVGD: "Not Available". The phenylalanine amino acid residue is found in multiple mammalian species, which suggests that this missense change does not adversely affect protein function. In summary, the available evidence is currently insufficient to determine the role of this variant in disease. Therefore, it has been classified as a Variant of Uncertain Significance.

Ambry Genetics
Classification: Uncertain significance for Inborn genetic diseases. Last evaluated: 2021-08-02. Review status: criteria provided, single submitter. Criteria: Ambry Variant Classification Scheme 2023. Collection method: clinical testing. Allele origin: germline.

Illumina Laboratory Services, Illumina
Classification: Uncertain significance for EEM syndrome. Last evaluated: 2018-01-13. Review status: criteria provided, single submitter. Criteria: ICSL Variant Classification Criteria 13 December 2019. Collection method: clinical testing. Allele origin: germline.

NM_001793.6(CDH3):c.34C>T (p.Leu12Phe)

Genes: CDH3-AS1 (CDH3 antisense RNA 1; minus strand), CDH3 (cadherin 3; plus strand). Cytogenetic location: 16q22.1.
Variant type: single nucleotide variant.
Coding change: c.34C>T on transcript NM_001793.6 (MANE Select); coding-DNA position 34, C replaced by T.
Protein change: p.Leu12Phe; replaces leucine 12 with phenylalanine.
Molecular consequence: missense variant. On other transcripts: 5 prime UTR variant (1).
Genome position (GRCh38, 1-based): chr16:68,645,413, C>T. VCF-style: chr16-68645413-C-T. GRCh37 (hg19) VCF-style: chr16-68679316-C-T.
Other names: c.34C>T, p.Leu12Phe (NM_001317195.3); c.-17C>T (NM_001317196.2); short protein forms L12F.
Identifiers: ClinVar variation 885658 (VCV000885658.12), dbSNP rs373974671, ClinGen allele CA8128902.